The following is an entry in ClinVar:

NM_000834.5(GRIN2B):c.411+1G>A

Gene: GRIN2B (glutamate ionotropic receptor NMDA type subunit 2B; minus strand). Cytogenetic location: 12p13.1.
Variant type: single nucleotide variant.
Coding change: c.411+1G>A on transcript NM_000834.5 (MANE Select); the canonical splice donor site of the intron after coding-DNA position 411, G replaced by A.
Molecular consequence: splice donor variant.
Genome position (GRCh38, 1-based): chr12:13,865,797, C>T on the plus strand (G>A on the coding strand, the complement: GRIN2B is on the minus strand). VCF-style: chr12-13865797-C-T. GRCh37 (hg19) VCF-style: chr12-14018731-C-T.
Other names: IVS2DS, G-A, +1; c.411+1G>A (NM_001413992.1, NM_001413993.1, NM_001413994.1 and 1 more transcripts).
Identifiers: ClinVar variation 29728 (VCV000029728.3), dbSNP rs1057519611, ClinGen allele CA16609333.

ClinVar aggregate classification (germline): Pathogenic. Review status: criteria provided, single submitter (1 of 4 stars). 2 submissions from 2 submitters: Pathogenic (1). 1 of the submissions does not count toward it. Last evaluated 2017-04-04.

Conditions:
Intellectual developmental disorder, autosomal dominant 6, with or without seizures. Also called: GRIN2B-related developmental delay, intellectual disability and autism spectrum disorder; Intellectual disability, autosomal dominant 6. Identifiers: Orphanet 589547, MedGen C3151411, MONDO:0013509, OMIM 613970.

Submissions (2):

Institute of Human Genetics, University of Leipzig Medical Center
Classification: Pathogenic for Intellectual developmental disorder, autosomal dominant 6, with or without seizures. Last evaluated: 2017-04-04. Review status: criteria provided, single submitter. Criteria: ACMG Guidelines, 2015. Collection method: clinical testing. Allele origin: de novo. Affected: yes.
Comment: This variant was identified as de novo (maternity and paternity confirmed).

OMIM
Classification: Pathogenic for INTELLECTUAL DEVELOPMENTAL DISORDER, AUTOSOMAL DOMINANT 6. Last evaluated: 2010-11-01. Review status: no assertion criteria provided. Collection method: literature only. Allele origin: germline. Not counted in ClinVar's aggregate classification.

Literature cited by the submitters: PubMed 28377535 (cited by Institute of Human Genetics, University of Leipzig Medical Center); PubMed 20890276 (cited by OMIM).